The following is an entry in ClinVar:

NM_020975.6(RET):c.3183C>G (p.Leu1061=)

Gene: RET (ret proto-oncogene; plus strand). Cytogenetic location: 10q11.21.
Variant type: single nucleotide variant.
Coding change: c.3183C>G on transcript NM_020975.6 (MANE Select); coding-DNA position 3183, C replaced by G.
Protein change: p.Leu1061=; no amino-acid change (leucine 1061 retained).
Molecular consequence: synonymous variant. On other transcripts: intron variant (4).
Genome position (GRCh38, 1-based): chr10:43,126,718, C>G. VCF-style: chr10-43126718-C-G. GRCh37 (hg19) VCF-style: chr10-43622166-C-G.
Other names: c.3183C>G, p.Leu1061= (NM_000323.2, NM_001406743.1, NM_001406744.1 and 2 more transcripts); c.2421C>G, p.Leu807= (NM_001355216.2); c.3054C>G, p.Leu1018= (NM_001406761.1, NM_001406762.1, NM_001406764.1); c.3048C>G, p.Leu1016= (NM_001406763.1, NM_001406765.1); c.2895C>G, p.Leu965= (NM_001406766.1, NM_001406767.1, NM_001406770.1); c.2919C>G, p.Leu973= (NM_001406768.1); c.2787C>G, p.Leu929= (NM_001406769.1, NM_001406772.1); c.2745C>G, p.Leu915= (NM_001406771.1, NM_001406773.1); and 13 more.
Identifiers: ClinVar variation 1524073 (VCV001524073.10), dbSNP rs2133037902, ClinGen allele CA469032738.

ClinVar aggregate classification (germline): Uncertain significance. Review status: criteria provided, multiple submitters, no conflicts (2 of 4 stars). 2 submissions from 2 submitters: Uncertain significance (2). Last evaluated 2024-05-22.

Conditions:
Hereditary cancer-predisposing syndrome. Also called: Hereditary neoplastic syndrome; Hereditary Cancer Syndrome; Tumor predisposition; Neoplastic Syndromes, Hereditary. Identifiers: Orphanet 140162, MedGen C0027672, MeSH D009386, MONDO:0015356.
Multiple endocrine neoplasia, type 2 (MEN2). Identifiers: Orphanet 653, MedGen C4048306, MONDO:0019003. Disease mechanism: gain of function.

Submissions (2):

Labcorp Genetics (formerly Invitae), Labcorp
Classification: Uncertain significance for Multiple endocrine neoplasia, type 2. Last evaluated: 2024-05-22. Review status: criteria provided, single submitter. Criteria: Invitae Variant Classification Sherloc (09022015). Collection method: clinical testing. Allele origin: germline.
Comment: This sequence change affects codon 1061 of the RET mRNA. It is a 'silent' change, meaning that it does not change the encoded amino acid sequence of the RET protein. This variant is not present in population databases (gnomAD no frequency). This variant has not been reported in the literature in individuals affected with RET-related conditions. ClinVar contains an entry for this variant (Variation ID: 1524073). Algorithms developed to predict the effect of sequence changes on RNA splicing suggest that this variant may disrupt the consensus splice site. In summary, the available evidence is currently insufficient to determine the role of this variant in disease. Therefore, it has been classified as a Variant of Uncertain Significance.

Ambry Genetics
Classification: Uncertain significance for Hereditary cancer-predisposing syndrome. Last evaluated: 2024-02-26. Review status: criteria provided, single submitter. Criteria: Ambry Variant Classification Scheme 2023. Collection method: clinical testing. Allele origin: germline.
Comment: The c.3183C>G variant (also known as p.L1061L), located in coding exon 19 of the RET gene, results from a C to G substitution at nucleotide position 3183. This nucleotide substitution does not change the leucine amino acid at codon 1061. This nucleotide position is highly conserved in available vertebrate species. In silico splice site analysis predicts that this alteration may weaken the native splice donor site and will result in the creation or strengthening of a novel splice donor site. Based on the available evidence, the clinical significance of this alteration remains unclear.